The following is an entry in ClinVar:

ClinVar aggregate classification (germline): Pathogenic (1 of 4 stars; one submission).

Conditions:
CEP290-related ciliopathy. Also called: CEP290 ciliopathy. Identifiers: MedGen CN305601, MONDO:0100451.

Submission:

Myriad Genetics, Inc.
Classification: Pathogenic for CEP290-related ciliopathy. Last evaluated: 2026-07-18. Review status: criteria provided, single submitter. Criteria: Myriad Autosomal Dominant, Autosomal Recessive and X-Linked Classification Criteria (2023). Collection method: clinical testing. Allele origin: unknown.
Comment: NM_025114.3(CEP290):c.3433G>T(E1145*) is expected to be pathogenic in the context of CEP290-related disorders. This variant is predicted to lead to an abnormal or absent protein product due to the creation of a premature termination codon in CEP290, a gene where loss-of-function variants are known to be pathogenic. Please note: this variant was assessed in the context of healthy population screening.

NM_025114.4(CEP290):c.3433G>T (p.Glu1145Ter)

Gene: CEP290 (centrosomal protein 290; minus strand). Cytogenetic location: 12q21.32.
Variant type: single nucleotide variant.
Coding change: c.3433G>T on transcript NM_025114.4 (MANE Select); coding-DNA position 3433, G replaced by T.
Protein change: p.Glu1145Ter; replaces glutamic acid 1145 with a stop codon.
Molecular consequence: nonsense.
Genome position (GRCh38, 1-based): chr12:88,092,709, C>A on the plus strand (G>T on the coding strand, the complement: CEP290 is on the minus strand). VCF-style: chr12-88092709-C-A. GRCh37 (hg19) VCF-style: chr12-88486486-C-A.
Other names: short protein forms E1145*.
Identifiers: ClinVar variation 5016140 (VCV005016140.1).
Genomic context (GRCh38, chr12:88,092,709, plus strand): 5'-GTCAAATGGCTAAAATGCTTATATGCACTTACTTTGACACTTCAACTTTTAGTTCCATTT[C>A]ATTCTTCTCTAATTCTAGAATCCGTTGCCTATCAGCATCACTTACTGCCTTGCTCACACT-3'